The following is an entry in ClinVar:

NM_003002.4(SDHD):c.197G>A (p.Trp66Ter)

Gene: SDHD (succinate dehydrogenase complex subunit D; plus strand). Cytogenetic location: 11q23.1.
Variant type: single nucleotide variant.
Coding change: c.197G>A on transcript NM_003002.4 (MANE Select); coding-DNA position 197, G replaced by A.
Protein change: p.Trp66Ter; replaces tryptophan 66 with a stop codon.
Molecular consequence: nonsense. On other transcripts: non-coding transcript variant (1), intron variant (1).
Genome position (GRCh38, 1-based): chr11:112,088,894, G>A. VCF-style: chr11-112088894-G-A. GRCh37 (hg19) VCF-style: chr11-111959618-G-A.
Other names: c.80G>A, p.Trp27Ter (NM_001276504.2); c.197G>A, p.Trp66Ter (NM_001276506.2); c.169+921G>A (NM_001276503.2); short protein forms W27*, W66*.
Identifiers: ClinVar variation 2662026 (VCV002662026.3), dbSNP rs2498904623, ClinGen allele CA382617205.

ClinVar aggregate classification (germline): Pathogenic. Review status: criteria provided, multiple submitters, no conflicts (2 of 4 stars). 2 submissions from 2 submitters: Pathogenic (2). Last evaluated 2025-11-04.

Conditions:
Cowden syndrome 3 (CWS3). Identifiers: Orphanet 201, MedGen CN166604, MONDO:0014045.
Pheochromocytoma. Also called: MAX-Related Hereditary Paraganglioma-Pheochromocytoma Syndrome. Identifiers: Orphanet 29072, MedGen C0031511, MONDO:0008233, OMIM 171300, HP:0002666.
Paragangliomas with sensorineural hearing loss. Identifiers: MedGen C1868633.
Carney-Stratakis syndrome. Also called: PARAGANGLIOMA AND GASTROINTESTINAL STROMAL TUMOR. Identifiers: Orphanet 97286, MedGen C1847319, MONDO:0011740, OMIM 606864.

Submissions (2):

Labcorp Genetics (formerly Invitae), Labcorp
Classification: Pathogenic for Carney-Stratakis syndrome; Paragangliomas with sensorineural hearing loss; Pheochromocytoma; Cowden syndrome 3. Last evaluated: 2025-11-04. Review status: criteria provided, single submitter. Criteria: Invitae Variant Classification Sherloc (09022015). Collection method: clinical testing. Allele origin: germline.
Comment: This sequence change creates a premature translational stop signal (p.Trp66*) in the SDHD gene. It is expected to result in an absent or disrupted protein product. Loss-of-function variants in SDHD are known to be pathogenic (PMID: 19454582, 19802898). This variant is not present in population databases (gnomAD no frequency). This premature translational stop signal has been observed in individual(s) with paraganglioma-pheochromocytoma syndromes (PMID: 22138625). ClinVar contains an entry for this variant (Variation ID: 2662026). Algorithms developed to predict the effect of sequence changes on RNA splicing suggest that this variant may disrupt the consensus splice site. For these reasons, this variant has been classified as Pathogenic.

GeneDx
Classification: Pathogenic. Last evaluated: 2023-04-05. Review status: criteria provided, single submitter. Criteria: GeneDx Variant Classification Process June 2021. Collection method: clinical testing. Allele origin: germline. Affected: yes.
Comment: Nonsense variant predicted to result in protein truncation or nonsense mediated decay in a gene for which loss of function is a known mechanism of disease; Not observed at significant frequency in large population cohorts (gnomAD); This variant is associated with the following publications: (PMID: 22138625)

Literature cited by the submitters: PubMed 19454582 (cited by Labcorp Genetics (formerly Invitae), Labcorp); PubMed 19802898 (cited by Labcorp Genetics (formerly Invitae), Labcorp); PubMed 22138625 (cited by Labcorp Genetics (formerly Invitae), Labcorp).